The following is an entry in ClinVar:

ClinVar aggregate classification (germline): Uncertain significance. Review status: criteria provided, multiple submitters, no conflicts (2 of 4 stars). 2 submissions from 2 submitters: Uncertain significance (2). Last evaluated 2025-12-11.

Allele frequency attached by ClinVar (database versions not stated): ExAC 0.00001; TOPMed 0.00003; gnomAD 0.00004; ESP Exome Variant Server 0.00008.
gnomAD v4.1: 36 of 1,614,000 alleles (0.0022%); highest among the groups gnomAD compares: Non-Finnish European, 0.0028%; no homozygotes.

Submissions (2):

Ambry Genetics
Classification: Uncertain significance. Last evaluated: 2025-12-11. Review status: criteria provided, single submitter. Criteria: Ambry Variant Classification Scheme 2023. Collection method: clinical testing. Allele origin: germline.
Comment: The p.E213K variant (also known as c.637G>A), located in coding exon 6 of the A2ML1 gene, results from a G to A substitution at nucleotide position 637. The glutamic acid at codon 213 is replaced by lysine, an amino acid with similar properties. This amino acid position is conserved. In addition, this alteration is predicted to be tolerated by in silico analysis. Since supporting evidence is limited at this time, the clinical significance of this alteration remains unclear.

Labcorp Genetics (formerly Invitae), Labcorp
Classification: Uncertain significance. Last evaluated: 2025-06-22. Review status: criteria provided, single submitter. Criteria: Invitae Variant Classification Sherloc (09022015). Collection method: clinical testing. Allele origin: germline.
Comment: This sequence change replaces glutamic acid, which is acidic and polar, with lysine, which is basic and polar, at codon 213 of the A2ML1 protein (p.Glu213Lys). This variant is present in population databases (rs371906781, gnomAD 0.003%). This variant has not been reported in the literature in individuals affected with A2ML1-related conditions. ClinVar contains an entry for this variant (Variation ID: 1753166). An algorithm developed to predict the effect of missense changes on protein structure and function (PolyPhen-2) suggests that this variant is likely to be disruptive. In summary, the available evidence is currently insufficient to determine the role of this variant in disease. Therefore, it has been classified as a Variant of Uncertain Significance.

NM_144670.6(A2ML1):c.637G>A (p.Glu213Lys)

Gene: A2ML1 (alpha-2-macroglobulin like 1; plus strand). Cytogenetic location: 12p13.31.
Variant type: single nucleotide variant.
Coding change: c.637G>A on transcript NM_144670.6 (MANE Select); coding-DNA position 637, G replaced by A.
Protein change: p.Glu213Lys; replaces glutamic acid 213 with lysine.
Molecular consequence: missense variant.
Genome position (GRCh38, 1-based): chr12:8,835,660, G>A. VCF-style: chr12-8835660-G-A. GRCh37 (hg19) VCF-style: chr12-8988256-G-A.
Other names: short protein forms E213K.
Identifiers: ClinVar variation 1753166 (VCV001753166.4), dbSNP rs371906781, ClinGen allele CA6435374.